The following is an entry in ClinVar:

ClinVar aggregate classification (germline): Uncertain significance (1 of 4 stars; one submission).

gnomAD v4.1: 2 of 1,612,040 alleles (0.00012%); highest among the groups gnomAD compares: Non-Finnish European, 0.00017%; no homozygotes.

Submission:

Ambry Genetics
Classification: Uncertain significance. Last evaluated: 2025-09-25. Review status: criteria provided, single submitter. Criteria: Ambry Variant Classification Scheme 2023. Collection method: clinical testing. Allele origin: germline.
Comment: The p.V431A variant (also known as c.1292T>C), located in coding exon 13 of the NEBL gene, results from a T to C substitution at nucleotide position 1292. The valine at codon 431 is replaced by alanine, an amino acid with similar properties. This amino acid position is conserved. In addition, this alteration is predicted to be tolerated by in silico analysis. Based on the available evidence, the clinical significance of this variant remains unclear.

NM_006393.3(NEBL):c.1292T>C (p.Val431Ala)

Gene: NEBL (nebulette; minus strand). Cytogenetic location: 10p12.31.
Variant type: single nucleotide variant.
Coding change: c.1292T>C on transcript NM_006393.3 (MANE Select); coding-DNA position 1292, T replaced by C.
Protein change: p.Val431Ala; replaces valine 431 with alanine.
Molecular consequence: missense variant. On other transcripts: intron variant (9).
Genome position (GRCh38, 1-based): chr10:20,840,785, A>G on the plus strand (T>C on the coding strand, the complement: NEBL is on the minus strand). VCF-style: chr10-20840785-A-G. GRCh37 (hg19) VCF-style: chr10-21129714-A-G.
Other names: c.250-27845T>C (NM_001377326.1, NM_001377327.1, NM_001377328.1); c.358-27845T>C (NM_213569.2, NM_001173484.2, NM_001377322.1); c.301-27845T>C (NM_001377324.1); c.292-27845T>C (NM_001377325.1); c.310-27845T>C (NM_001377323.1); short protein forms V431A.
Identifiers: ClinVar variation 4556730 (VCV004556730.1).